The following is an entry in ClinVar:

NM_001271.4(CHD2):c.217T>G (p.Ser73Ala)

Gene: CHD2 (chromodomain helicase DNA binding protein 2; plus strand). Cytogenetic location: 15q26.1.
Variant type: single nucleotide variant.
Coding change: c.217T>G on transcript NM_001271.4 (MANE Select); coding-DNA position 217, T replaced by G.
Protein change: p.Ser73Ala; replaces serine 73 with alanine.
Molecular consequence: missense variant.
Genome position (GRCh38, 1-based): chr15:92,924,475, T>G. VCF-style: chr15-92924475-T-G. GRCh37 (hg19) VCF-style: chr15-93467705-T-G.
Other names: c.217T>G, p.Ser73Ala (NM_001042572.3); short protein forms S73A.
Identifiers: ClinVar variation 3689583 (VCV003689583.2).

ClinVar aggregate classification (germline): Uncertain significance (1 of 4 stars; one submission).

Conditions:
Developmental and epileptic encephalopathy 94 (DEE94). Also called: CHD2-Related Neurodevelopmental Disorders; Epileptic encephalopathy, childhood-onset. Identifiers: Orphanet 1942, Orphanet 2382, MedGen C3809278, MONDO:0014150, OMIM 615369.

gnomAD v4.1: 15 of 1,613,968 alleles (0.00093%); highest among the groups gnomAD compares: African/African-American, 0.0013%; no homozygotes.

Submission:

Labcorp Genetics (formerly Invitae), Labcorp
Classification: Uncertain significance for Developmental and epileptic encephalopathy 94. Last evaluated: 2025-01-19. Review status: criteria provided, single submitter. Criteria: Invitae Variant Classification Sherloc (09022015). Collection method: clinical testing. Allele origin: germline.
Comment: This sequence change replaces serine, which is neutral and polar, with alanine, which is neutral and non-polar, at codon 73 of the CHD2 protein (p.Ser73Ala). This variant is present in population databases (no rsID available, gnomAD 0.0009%). This variant has not been reported in the literature in individuals affected with CHD2-related conditions. Invitae Evidence Modeling of protein sequence and biophysical properties (such as structural, functional, and spatial information, amino acid conservation, physicochemical variation, residue mobility, and thermodynamic stability) indicates that this missense variant is not expected to disrupt CHD2 protein function with a negative predictive value of 95%. In summary, the available evidence is currently insufficient to determine the role of this variant in disease. Therefore, it has been classified as a Variant of Uncertain Significance.